The following is an entry in ClinVar:

NM_139057.4(ADAMTS17):c.873+1G>A

Gene: ADAMTS17 (ADAM metallopeptidase with thrombospondin type 1 motif 17; minus strand). Cytogenetic location: 15q26.3.
Variant type: single nucleotide variant.
Coding change: c.873+1G>A on transcript NM_139057.4 (MANE Select); the canonical splice donor site of the intron after coding-DNA position 873, G replaced by A.
Molecular consequence: splice donor variant.
Genome position (GRCh38, 1-based): chr15:100,262,351, C>T on the plus strand (G>A on the coding strand, the complement: ADAMTS17 is on the minus strand). VCF-style: chr15-100262351-C-T. GRCh37 (hg19) VCF-style: chr15-100802556-C-T.
Identifiers: ClinVar variation 1909558 (VCV001909558.4), dbSNP rs1160509052, ClinGen allele CA393940280.

ClinVar aggregate classification (germline): Uncertain significance (1 of 4 stars; one submission).

Allele frequency attached by ClinVar (database versions not stated): gnomAD 0.00001; gnomAD exomes 0.00001; TOPMed 0.00001.
gnomAD v4.1: 19 of 1,613,318 alleles (0.0012%); highest among the groups gnomAD compares: East Asian, 0.0022%; no homozygotes.

Submission:

Labcorp Genetics (formerly Invitae), Labcorp
Classification: Uncertain significance. Last evaluated: 2024-10-22. Review status: criteria provided, single submitter. Criteria: Invitae Variant Classification Sherloc (09022015). Collection method: clinical testing. Allele origin: germline.
Comment: This sequence change affects a donor splice site in intron 5 of the ADAMTS17 gene. RNA analysis indicates that disruption of this splice site induces altered splicing and likely results in a shortened protein product. This variant is present in population databases (no rsID available, gnomAD 0.003%). Disruption of this splice site has been observed in individual(s) with Weill-Marchesani-like syndrome (PMID: 24940034). ClinVar contains an entry for this variant (Variation ID: 1909558). Studies have shown that disruption of this splice site results in skipping of exon 5, but is expected to preserve the integrity of the reading-frame (PMID: 24940034). In summary, the available evidence is currently insufficient to determine the role of this variant in disease. Therefore, it has been classified as a Variant of Uncertain Significance.

Literature cited by the submitters: PubMed 24940034.